The following is an entry in ClinVar:

NM_003742.4(ABCB11):c.3557A>G (p.Glu1186Gly)

Gene: ABCB11 (ATP binding cassette subfamily B member 11; minus strand). Cytogenetic location: 2q31.1.
Variant type: single nucleotide variant.
Coding change: c.3557A>G on transcript NM_003742.4 (MANE Select); coding-DNA position 3557, A replaced by G.
Protein change: p.Glu1186Gly; replaces glutamic acid 1186 with glycine.
Molecular consequence: missense variant.
Genome position (GRCh38, 1-based): chr2:168,927,217, T>C on the plus strand (A>G on the coding strand, the complement: ABCB11 is on the minus strand). VCF-style: chr2-168927217-T-C. GRCh37 (hg19) VCF-style: chr2-169783727-T-C.
Other names: (p.Glu1186Gly); short protein forms E1186G.
Identifiers: ClinVar variation 3064017 (VCV003064017.2), dbSNP rs772623963, ClinGen allele CA1950992.

ClinVar aggregate classification (germline): Uncertain significance (1 of 4 stars; one submission).

Conditions:
Benign recurrent intrahepatic cholestasis type 2 (BRIC2). Also called: Recurrent familial intrahepatic cholestasis 2. Identifiers: Orphanet 65682, Orphanet 99961, MedGen C2608083, MONDO:0011559, OMIM 605479.

Allele frequency attached by ClinVar (database versions not stated): ExAC 0.00001; gnomAD exomes 0.00001.
gnomAD v4.1: 9 of 1,613,938 alleles (0.00056%); highest among the groups gnomAD compares: South Asian, 0.0055%; no homozygotes.

Submission:

Foundation for Research in Genetics and Endocrinology, FRIGE's Institute of Human Genetics
Classification: Uncertain significance for Benign recurrent intrahepatic cholestasis type 2. Last evaluated: 2024-03-26. Review status: criteria provided, single submitter. Criteria: ACMG Guidelines, 2015. Collection method: clinical testing. Allele origin: germline. Inheritance: Autosomal recessive inheritance. Observed: 1 compound heterozygote.
Comment: A heterozygous missense variant in exon 26 of the ABCB11 gene that results in the amino acid substitution of Glycine for Glutamic acid at codon 1186 was detected. The observed variant has not been reported in the 1000 genomes, gnomAD (v3.1), gnomdAD (v2.1) and topmed databases and has a minor allele frequency of 0.02799% in our internal database. The in silico prediction# of the variant are probably damaging by PolyPhen-2 (HumDiv) and damaging by SIFT and LRT. The reference codon is conserved across species. In summary, the variant meets our criteria to be classified as variant of uncertain significance.